The following is an entry in ClinVar:

ClinVar aggregate classification (germline): Uncertain significance. Review status: criteria provided, multiple submitters, no conflicts (2 of 4 stars). 2 submissions from 2 submitters: Uncertain significance (2). Last evaluated 2025-01-16.

Conditions:
Primary ciliary dyskinesia. Also called: Ciliary dyskinesia. Identifiers: Orphanet 244, MedGen C0008780, MONDO:0016575, HP:0012265.

Allele frequency attached by ClinVar (database versions not stated): ExAC 0.00001; gnomAD exomes 0.00002 and 0.00005; TOPMed 0.00004.
gnomAD v4.1: 15 of 1,613,450 alleles (0.00093%); highest among the groups gnomAD compares: Admixed American, 0.023%; no homozygotes.

Submissions (2):

Ambry Genetics
Classification: Uncertain significance for Primary ciliary dyskinesia. Last evaluated: 2025-01-16. Review status: criteria provided, single submitter. Criteria: Ambry Variant Classification Scheme 2023. Collection method: clinical testing. Allele origin: germline.
Comment: The p.S83R variant (also known as c.249C>A), located in coding exon 2 of the RSPH9 gene, results from a C to A substitution at nucleotide position 249. The serine at codon 83 is replaced by arginine, an amino acid with dissimilar properties. This amino acid position is conserved. In addition, this alteration is predicted to be tolerated by in silico analysis. Based on the available evidence, the clinical significance of this variant remains unclear.

Labcorp Genetics (formerly Invitae), Labcorp
Classification: Uncertain significance for Primary ciliary dyskinesia. Last evaluated: 2022-02-11. Review status: criteria provided, single submitter. Criteria: Invitae Variant Classification Sherloc (09022015). Collection method: clinical testing. Allele origin: germline.
Comment: This sequence change replaces serine, which is neutral and polar, with arginine, which is basic and polar, at codon 83 of the RSPH9 protein (p.Ser83Arg). This variant is present in population databases (rs773953326, gnomAD 0.03%). This variant has not been reported in the literature in individuals affected with RSPH9-related conditions. Algorithms developed to predict the effect of missense changes on protein structure and function (SIFT, PolyPhen-2, Align-GVGD) all suggest that this variant is likely to be tolerated. In summary, the available evidence is currently insufficient to determine the role of this variant in disease. Therefore, it has been classified as a Variant of Uncertain Significance.

NM_152732.5(RSPH9):c.249C>A (p.Ser83Arg)

Gene: RSPH9 (radial spoke head component 9; plus strand). Cytogenetic location: 6p21.1.
Variant type: single nucleotide variant.
Coding change: c.249C>A on transcript NM_152732.5 (MANE Select); coding-DNA position 249, C replaced by A.
Protein change: p.Ser83Arg; replaces serine 83 with arginine.
Molecular consequence: missense variant. On other transcripts: non-coding transcript variant (1).
Genome position (GRCh38, 1-based): chr6:43,650,396, C>A. VCF-style: chr6-43650396-C-A. GRCh37 (hg19) VCF-style: chr6-43618133-C-A.
Other names: c.249C>A, p.Ser83Arg (NM_001193341.2, NM_001424119.1, NM_001424120.1 and 1 more transcripts); short protein forms S83R.
Identifiers: ClinVar variation 1442285 (VCV001442285.8), dbSNP rs773953326, ClinGen allele CA3828257.
Genomic context (GRCh38, chr6:43,650,396, plus strand): 5'-GGAGTTGGAATCCAGGGGTGATGTGAATATTGTTGGCAGCCTGAACTGCACAGAGTGGAG[C>A]CTCTTGCCCCCTGCCACAGAGGAGATGGTGGCGCAGTCGTCTGTGGTGAAGGGCCGCTTC-3'
Protein context (NP_689945.2, residues 73-93): TLYSLNCTEW[Ser83Arg]LLPPATEEMV